The following is an entry in ClinVar:

NM_005458.8(GABBR2):c.2611C>G (p.Pro871Ala)

Gene: GABBR2 (gamma-aminobutyric acid type B receptor subunit 2; minus strand). Cytogenetic location: 9q22.33.
Variant type: single nucleotide variant.
Coding change: c.2611C>G on transcript NM_005458.8 (MANE Select); coding-DNA position 2611, C replaced by G.
Protein change: p.Pro871Ala; replaces proline 871 with alanine.
Molecular consequence: missense variant.
Genome position (GRCh38, 1-based): chr9:98,293,834, G>C on the plus strand (C>G on the coding strand, the complement: GABBR2 is on the minus strand). VCF-style: chr9-98293834-G-C. GRCh37 (hg19) VCF-style: chr9-101056116-G-C.
Other names: short protein forms P871A.
Identifiers: ClinVar variation 3651576 (VCV003651576.2).

ClinVar aggregate classification (germline): Uncertain significance (1 of 4 stars; one submission).

Conditions:
Epileptic encephalopathy. Identifiers: MedGen C0543888, HP:0200134.

Submission:

Labcorp Genetics (formerly Invitae), Labcorp
Classification: Uncertain significance for Epileptic encephalopathy. Last evaluated: 2024-07-02. Review status: criteria provided, single submitter. Criteria: Invitae Variant Classification Sherloc (09022015). Collection method: clinical testing. Allele origin: germline.
Comment: This sequence change replaces proline, which is neutral and non-polar, with alanine, which is neutral and non-polar, at codon 871 of the GABBR2 protein (p.Pro871Ala). This variant is not present in population databases (gnomAD no frequency). This variant has not been reported in the literature in individuals affected with GABBR2-related conditions. An algorithm developed to predict the effect of missense changes on protein structure and function (PolyPhen-2) suggests that this variant is likely to be tolerated. In summary, the available evidence is currently insufficient to determine the role of this variant in disease. Therefore, it has been classified as a Variant of Uncertain Significance.